The following is an entry in ClinVar:

ClinVar aggregate classification (germline): Likely benign. Review status: criteria provided, single submitter (1 of 4 stars). 2 submissions from 2 submitters: Likely benign (1). 1 of the submissions does not count toward it. Last evaluated 2024-09-08.

Conditions:
MTHFD1-related disorder. Also called: MTHFD1-related condition.

Allele frequency attached by ClinVar (database versions not stated): gnomAD exomes below 0.00001; gnomAD 0.00001; ExAC 0.00002.

Submissions (2):

Labcorp Genetics (formerly Invitae), Labcorp
Classification: Likely benign. Last evaluated: 2024-09-08. Review status: criteria provided, single submitter. Criteria: Invitae Variant Classification Sherloc (09022015). Collection method: clinical testing. Allele origin: germline.

PreventionGenetics, part of Exact Sciences
Classification: Likely benign for MTHFD1-related condition. Last evaluated: 2019-06-05. Review status: no assertion criteria provided. Collection method: clinical testing. Allele origin: germline. Not counted in ClinVar's aggregate classification.
Comment: This variant is classified as likely benign based on ACMG/AMP sequence variant interpretation guidelines (Richards et al. 2015 PMID: 25741868, with internal and published modifications).

NM_005956.4(MTHFD1):c.1671G>A (p.Arg557=)

Gene: MTHFD1 (methylenetetrahydrofolate dehydrogenase, cyclohydrolase and formyltetrahydrofolate synthetase 1; plus strand). Cytogenetic location: 14q23.3.
Variant type: single nucleotide variant.
Coding change: c.1671G>A on transcript NM_005956.4 (MANE Select); coding-DNA position 1671, G replaced by A.
Protein change: p.Arg557=; no amino-acid change (arginine 557 retained).
Molecular consequence: synonymous variant.
Genome position (GRCh38, 1-based): chr14:64,439,169, G>A. VCF-style: chr14-64439169-G-A. GRCh37 (hg19) VCF-style: chr14-64905887-G-A.
Other names: c.1671G>A, p.Arg557= (NM_001364837.1).
Identifiers: ClinVar variation 3044459 (VCV003044459.4), dbSNP rs765045712, ClinGen allele CA7226322.